The following is an entry in ClinVar:

NM_203446.3(SYNJ1):c.1346A>G (p.Lys449Arg)

Gene: SYNJ1 (synaptojanin 1; minus strand). Cytogenetic location: 21q22.11.
Variant type: single nucleotide variant.
Coding change: c.1346A>G on transcript NM_203446.3 (MANE Select); coding-DNA position 1346, A replaced by G.
Protein change: p.Lys449Arg; replaces lysine 449 with arginine.
Molecular consequence: missense variant.
Genome position (GRCh38, 1-based): chr21:32,681,503, T>C on the plus strand (A>G on the coding strand, the complement: SYNJ1 is on the minus strand). VCF-style: chr21-32681503-T-C. GRCh37 (hg19) VCF-style: chr21-34053813-T-C.
Other names: c.1346A>G, p.Lys449Arg (NM_001160302.2, NM_001160306.2); c.1463A>G, p.Lys488Arg (NM_003895.4); short protein forms K488R, K449R.
Identifiers: ClinVar variation 1518053 (VCV001518053.7), dbSNP rs772361584, ClinGen allele CA10003921.
Genomic context (GRCh38, chr21:32,681,503, plus strand): 5'-TGAAGAGAGGAAAAAGAGGATATTCTGTAATGTTATGATAGATCTAGATATACCTTCGCT[T>C]TCCCTTCAAGAGCTCCAGTTCCTGCATATATCTTACTGATTGAATCACCATTCACGGACC-3'
Protein context (NP_982271.3, residues 439-459): IYAGTGALEG[Lys449Arg]AKLKDGARSV

ClinVar aggregate classification (germline): Uncertain significance. Review status: criteria provided, multiple submitters, no conflicts (2 of 4 stars). 2 submissions from 2 submitters: Uncertain significance (2). Last evaluated 2024-03-18.

Conditions:
Developmental and epileptic encephalopathy, 53. Also called: Epileptic encephalopathy, early infantile, 53. Identifiers: MedGen C4479313, MONDO:0033362, OMIM 617389.
Early-onset Parkinson disease 20. Also called: PARKINSON DISEASE 20, AUTOSOMAL RECESSIVE EARLY-ONSET. Identifiers: Orphanet 391411, MedGen C3809824, MONDO:0014233, OMIM 615530.

Allele frequency attached by ClinVar (database versions not stated): gnomAD exomes 0.00001; ExAC 0.00002; gnomAD 0.00002.
gnomAD v4.1: 19 of 1,611,710 alleles (0.0012%); highest among the groups gnomAD compares: Non-Finnish European, 0.0014%; no homozygotes.

Submissions (2):

Blueprint Genetics
Classification: Uncertain significance. Last evaluated: 2024-03-18. Review status: criteria provided, single submitter. Criteria: ACMG Guidelines, 2015. Collection method: clinical testing. Allele origin: germline.

Labcorp Genetics (formerly Invitae), Labcorp
Classification: Uncertain significance for Developmental and epileptic encephalopathy, 53; Early-onset Parkinson disease 20. Last evaluated: 2021-11-14. Review status: criteria provided, single submitter. Criteria: Invitae Variant Classification Sherloc (09022015). Collection method: clinical testing. Allele origin: germline.
Comment: This variant has not been reported in the literature in individuals affected with SYNJ1-related conditions. This variant is present in population databases (rs772361584, gnomAD 0.004%). Algorithms developed to predict the effect of missense changes on protein structure and function are either unavailable or do not agree on the potential impact of this missense change (SIFT: "Tolerated"; PolyPhen-2: "Probably Damaging"; Align-GVGD: "Class C0"). In summary, the available evidence is currently insufficient to determine the role of this variant in disease. Therefore, it has been classified as a Variant of Uncertain Significance. This sequence change replaces lysine, which is basic and polar, with arginine, which is basic and polar, at codon 488 of the SYNJ1 protein (p.Lys488Arg).